The following is an entry in ClinVar:

NM_000138.5(FBN1):c.1281C>A (p.Val427=)

Gene: FBN1 (fibrillin 1; minus strand). Cytogenetic location: 15q21.1.
Variant type: single nucleotide variant.
Coding change: c.1281C>A on transcript NM_000138.5 (MANE Select); coding-DNA position 1281, C replaced by A.
Protein change: p.Val427=; no amino-acid change (valine 427 retained).
Molecular consequence: synonymous variant.
Genome position (GRCh38, 1-based): chr15:48,516,229, G>T on the plus strand (C>A on the coding strand, the complement: FBN1 is on the minus strand). VCF-style: chr15-48516229-G-T. GRCh37 (hg19) VCF-style: chr15-48808426-G-T.
Identifiers: ClinVar variation 1155249 (VCV001155249.13), dbSNP rs759949880, ClinGen allele CA490028356.

ClinVar aggregate classification (germline): Likely benign. Review status: criteria provided, multiple submitters, no conflicts (2 of 4 stars). 4 submissions from 4 submitters: Likely benign (4). Last evaluated 2024-12-06.

Conditions:
Familial thoracic aortic aneurysm and aortic dissection (TAAD). Also called: Thoracic aortic aneurysms and dissections. Identifiers: Orphanet 91387, MedGen C4707243, MONDO:0019625.
Marfan syndrome (MFS). Also called: Marfan syndrome type 1; Marfan's syndrome; Marfan syndrome, classic; MARFAN SYNDROME, TYPE I; FBN1-Related Marfan Syndrome. Identifiers: Orphanet 284963, Orphanet 558, MedGen C0024796, MONDO:0007947, OMIM 154700.

gnomAD v4.1: 2 of 1,613,792 alleles (0.00012%); highest among the groups gnomAD compares: Admixed American, 0.0033%; no homozygotes.

Submissions (4):

Women's Health and Genetics/Laboratory Corporation of America, LabCorp
Classification: Likely benign. Last evaluated: 2024-12-06. Review status: criteria provided, single submitter. Criteria: LabCorp Variant Classification Summary - May 2015. Collection method: clinical testing. Allele origin: germline.

All of Us Research Program, National Institutes of Health
Classification: Likely benign for Marfan syndrome. Last evaluated: 2024-04-25. Review status: criteria provided, single submitter. Criteria: ACMG Guidelines, 2015. Collection method: clinical testing. Allele origin: germline. Inheritance: Autosomal dominant inheritance. Observed: 1 variant allele, 1 heterozygote.
Comment: This study involves interpretation of variants in research participants for the purpose of population health screening. Participant phenotype was not available at the time of variant classification. Additional details can be found in publication PMID: 35346344, PMCID: PMC8962531

Labcorp Genetics (formerly Invitae), Labcorp
Classification: Likely benign for Marfan syndrome; Familial thoracic aortic aneurysm and aortic dissection. Last evaluated: 2023-02-25. Review status: criteria provided, single submitter. Criteria: Invitae Variant Classification Sherloc (09022015). Collection method: clinical testing. Allele origin: germline.

Color Diagnostics, LLC DBA Color Health
Classification: Likely benign for Familial thoracic aortic aneurysm and aortic dissection. Last evaluated: 2020-06-22. Review status: criteria provided, single submitter. Criteria: ACMG Guidelines, 2015. Collection method: clinical testing. Allele origin: germline.